The following is an entry in ClinVar:

NM_020937.4(FANCM):c.646G>C (p.Ala216Pro)

Gene: FANCM (FA complementation group M; plus strand). Cytogenetic location: 14q21.2.
Variant type: single nucleotide variant.
Coding change: c.646G>C on transcript NM_020937.4 (MANE Select); coding-DNA position 646, G replaced by C.
Protein change: p.Ala216Pro; replaces alanine 216 with proline.
Molecular consequence: missense variant.
Genome position (GRCh38, 1-based): chr14:45,137,206, G>C. VCF-style: chr14-45137206-G-C. GRCh37 (hg19) VCF-style: chr14-45606409-G-C.
Other names: c.646G>C, p.Ala216Pro (NM_001308133.2, NM_001308134.2); short protein forms A216P.
Identifiers: ClinVar variation 4841761 (VCV004841761.1).

ClinVar aggregate classification (germline): Uncertain significance (1 of 4 stars; one submission).

Conditions:
Inborn genetic diseases. Identifiers: MedGen C0950123, MeSH D030342.

Submission:

Ambry Genetics
Classification: Uncertain significance for Inborn genetic diseases. Last evaluated: 2026-01-04. Review status: criteria provided, single submitter. Criteria: Ambry Variant Classification Scheme 2023. Collection method: clinical testing. Allele origin: germline.
Comment: The p.A216P variant (also known as c.646G>C), located in coding exon 2 of the FANCM gene, results from a G to C substitution at nucleotide position 646. The alanine at codon 216 is replaced by proline, an amino acid with highly similar properties. This amino acid position is conserved. In addition, the in silico prediction for this alteration is inconclusive. Based on the available evidence, the clinical significance of this variant remains unclear.